The following is an entry in ClinVar:

ClinVar aggregate classification (germline): Uncertain significance. Review status: criteria provided, multiple submitters, no conflicts (2 of 4 stars). 2 submissions from 2 submitters: Uncertain significance (2). Last evaluated 2025-04-10.

Conditions:
Inborn genetic diseases. Identifiers: MedGen C0950123, MeSH D030342.

Allele frequency attached by ClinVar (database versions not stated): gnomAD 0.00001; gnomAD exomes 0.00002; ExAC 0.00001; TOPMed 0.00002.
gnomAD v4.1: 30 of 1,609,498 alleles (0.0019%); highest among the groups gnomAD compares: Middle Eastern, 0.016%; no homozygotes.

Submissions (2):

Labcorp Genetics (formerly Invitae), Labcorp
Classification: Uncertain significance. Last evaluated: 2025-04-10. Review status: criteria provided, single submitter. Criteria: Invitae Variant Classification Sherloc (09022015). Collection method: clinical testing. Allele origin: germline.
Comment: This sequence change replaces alanine, which is neutral and non-polar, with threonine, which is neutral and polar, at codon 473 of the TNFRSF11A protein (p.Ala473Thr). This variant is present in population databases (rs777022699, gnomAD 0.006%). This variant has not been reported in the literature in individuals affected with TNFRSF11A-related conditions. ClinVar contains an entry for this variant (Variation ID: 2205413). An algorithm developed to predict the effect of missense changes on protein structure and function outputs the following: PolyPhen-2: "Benign". The threonine amino acid residue is found in multiple mammalian species, which suggests that this missense change does not adversely affect protein function. In summary, the available evidence is currently insufficient to determine the role of this variant in disease. Therefore, it has been classified as a Variant of Uncertain Significance.

Ambry Genetics
Classification: Uncertain significance for Inborn genetic diseases. Last evaluated: 2022-08-19. Review status: criteria provided, single submitter. Criteria: Ambry Variant Classification Scheme 2023. Collection method: clinical testing. Allele origin: germline.

NM_003839.4(TNFRSF11A):c.1417G>A (p.Ala473Thr)

Gene: TNFRSF11A (TNF receptor superfamily member 11a; plus strand). Cytogenetic location: 18q21.33.
Variant type: single nucleotide variant.
Coding change: c.1417G>A on transcript NM_003839.4 (MANE Select); coding-DNA position 1417, G replaced by A.
Protein change: p.Ala473Thr; replaces alanine 473 with threonine.
Molecular consequence: missense variant. On other transcripts: intron variant (3).
Genome position (GRCh38, 1-based): chr18:62,369,334, G>A. VCF-style: chr18-62369334-G-A. GRCh37 (hg19) VCF-style: chr18-60036567-G-A.
Other names: c.1375G>A, p.Ala459Thr (NM_001278268.2); c.783+2574G>A (NM_001270949.2); c.730+7541G>A (NM_001270950.2); c.616+9285G>A (NM_001270951.2); short protein forms A459T, A473T.
Identifiers: ClinVar variation 2205413 (VCV002205413.8), dbSNP rs777022699, ClinGen allele CA8983965.